The following is an entry in ClinVar:

NM_007194.4(CHEK2):c.792_792+1del

Gene: CHEK2 (checkpoint kinase 2; minus strand). Cytogenetic location: 22q12.1.
Variant type: Deletion.
Coding change: c.792_792+1del on transcript NM_007194.4 (MANE Select); coding-DNA position 792 through the canonical splice donor site of the intron after coding-DNA position 792, 2 bases deleted (AG; older notation c.792_792+1delAG).
Molecular consequence: splice donor variant.
Genome position (GRCh38, 1-based): chr22:28,711,908-28,711,909, CT deleted on the plus strand (AG on the coding strand, the reverse complement: CHEK2 is on the minus strand). VCF-style (leftmost placement, unchanged base first): chr22-28711907-ACT-A. GRCh37 (hg19) VCF-style: chr22-29107895-ACT-A.
Other names: c.921_921+1del (NM_001005735.3, NM_001438294.1); c.129_129+1del (NM_001437942.1, NM_001257387.3); c.591_591+1del (NM_001349956.3); c.792_792+1del (NM_145862.3); c.885_885+1del (NM_001438295.1, NM_001438293.1).
Identifiers: ClinVar variation 577097 (VCV000577097.9), dbSNP rs774831804, ClinGen allele CA10167877.
Genomic context (GRCh38, chr22:28,711,907, plus strand): 5'-TTATTTTGGGAAGTTATGAAGACGTGTTAATAAAAGGTGATCAGCCTTTTATTGGTACTT[ACT>A]GCCTCTCTTGCTGAACCAATAGCAAACTTCCTTTTGCTGATGATCTTTATGGCTACTTTC-3'

ClinVar aggregate classification (germline): Pathogenic/Likely pathogenic. Review status: criteria provided, multiple submitters, no conflicts (2 of 4 stars). 4 submissions from 4 submitters: Pathogenic (1); Likely pathogenic (3). Last evaluated 2024-02-27.

Conditions:
Familial cancer of breast. Also called: hereditary breast carcinoma; BREAST CANCER, FAMILIAL; Hereditary breast cancer. Identifiers: Orphanet 227535, MedGen C0346153, MONDO:0016419, OMIM 114480. Disease mechanism: loss of function.
Hereditary cancer-predisposing syndrome. Also called: Tumor predisposition; Hereditary neoplastic syndrome; Hereditary Cancer Syndrome; Neoplastic Syndromes, Hereditary. Identifiers: Orphanet 140162, MedGen C0027672, MeSH D009386, MONDO:0015356.
CHEK2-related cancer predisposition (TPDS4). Also called: TUMOR PREDISPOSITION SYNDROME 4; CANCER PREDISPOSITION SYNDROME, CHEK2-RELATED; CHEK2-related cancer susceptibility. Identifiers: Orphanet 524, MedGen C5882668, MONDO:0700271, OMIM 609265.

Allele frequency attached by ClinVar (database versions not stated): gnomAD exomes below 0.00001; ExAC 0.00001; gnomAD 0.00001.

Submissions (4):

Ambry Genetics
Classification: Likely pathogenic for Hereditary cancer-predisposing syndrome. Last evaluated: 2024-02-27. Review status: criteria provided, single submitter. Criteria: Ambry Variant Classification Scheme 2023. Collection method: clinical testing. Allele origin: germline.
Comment: The c.792_792+1delAG variant results from a deletion of two nucleotides at positions c.792 and c.792+1 and includes the splice donor site of coding exon 5 of the CHEK2 gene. This variant is considered to be rare based on population cohorts in the Genome Aggregation Database (gnomAD). The nucleotide position at this donor site is highly conserved in available vertebrate species. In silico splice site analysis predicts that this alteration will weaken the native splice donor site. Alterations that disrupt the canonical splice site are expected to cause aberrant splicing, resulting in an abnormal protein or a transcript that is subject to nonsense-mediated mRNA decay. As such, this alteration is classified as likely pathogenic.

Myriad Genetics, Inc.
Classification: Likely pathogenic for Familial cancer of breast. Last evaluated: 2023-12-19. Review status: criteria provided, single submitter. Criteria: Myriad Autosomal Dominant, Autosomal Recessive and X-Linked Classification Criteria (2023). Collection method: clinical testing. Allele origin: unknown.
Comment: This variant is considered likely pathogenic. This variant occurs within a consensus splice junction and is predicted to result in abnormal mRNA splicing of either an out-of-frame exon or an in-frame exon necessary for protein stability and/or normal function.

Department of Pathology and Laboratory Medicine, Sinai Health System
Classification: Pathogenic for CHEK2-related cancer predisposition. Last evaluated: 2023-09-25. Review status: criteria provided, single submitter. Criteria: ACMG Guidelines, 2015. Collection method: clinical testing. Allele origin: germline. Affected: yes.

Labcorp Genetics (formerly Invitae), Labcorp
Classification: Likely pathogenic for Familial cancer of breast. Last evaluated: 2018-06-19. Review status: criteria provided, single submitter. Criteria: Invitae Variant Classification Sherloc (09022015). Collection method: clinical testing. Allele origin: germline.
Comment: This sequence change affects a donor splice site in intron 6 of the CHEK2 gene. It is expected to disrupt RNA splicing and likely results in an absent or disrupted protein product. In summary, the currently available evidence indicates that the variant is pathogenic, but additional data are needed to prove that conclusively. Therefore, this variant has been classified as Likely Pathogenic. Donor and acceptor splice site variants typically lead to a loss of protein function (PMID: 16199547), and loss-of-function variants in CHEK2 are known to be pathogenic (PMID: 21876083, 24713400). This variant has not been reported in the literature in individuals with CHEK2-related disease. This variant is present in population databases (rs774831804, ExAC 0.01%).

Literature cited by the submitters: PubMed 16199547 (cited by Labcorp Genetics (formerly Invitae), Labcorp); PubMed 21876083 (cited by Labcorp Genetics (formerly Invitae), Labcorp); PubMed 24713400 (cited by Labcorp Genetics (formerly Invitae), Labcorp).